The following is an entry in ClinVar:

ClinVar aggregate classification (germline): Uncertain significance (1 of 4 stars; one submission).

Conditions:
Hereditary cancer-predisposing syndrome. Also called: Neoplastic Syndromes, Hereditary; Tumor predisposition; Hereditary neoplastic syndrome; Hereditary Cancer Syndrome. Identifiers: Orphanet 140162, MedGen C0027672, MeSH D009386, MONDO:0015356.

Submission:

Ambry Genetics
Classification: Uncertain significance for Hereditary cancer-predisposing syndrome. Last evaluated: 2026-07-06. Review status: criteria provided, single submitter. Criteria: Ambry Variant Classification Scheme 2023. Collection method: clinical testing. Allele origin: germline.
Comment: The p.Q299P variant (also known as c.896A>C), located in coding exon 3 of the PHOX2B gene, results from an A to C substitution at nucleotide position 896. The glutamine at codon 299 is replaced by proline, an amino acid with similar properties. This amino acid position is conserved. In addition, the in silico prediction for this alteration is inconclusive. Based on the available evidence, the clinical significance of this variant remains unclear.

NM_003924.4(PHOX2B):c.896A>C (p.Gln299Pro)

Gene: PHOX2B (paired like homeobox 2B; minus strand). Cytogenetic location: 4p13.
Variant type: single nucleotide variant.
Coding change: c.896A>C on transcript NM_003924.4 (MANE Select); coding-DNA position 896, A replaced by C.
Protein change: p.Gln299Pro; replaces glutamine 299 with proline.
Molecular consequence: missense variant.
Genome position (GRCh38, 1-based): chr4:41,745,856, T>G on the plus strand (A>C on the coding strand, the complement: PHOX2B is on the minus strand). VCF-style: chr4-41745856-T-G. GRCh37 (hg19) VCF-style: chr4-41747873-T-G.
Other names: short protein forms Q299P.
Identifiers: ClinVar variation 5026543 (VCV005026543.1).